The following is an entry in ClinVar:

NM_015330.6(SPECC1L):c.496A>G (p.Met166Val)

Genes: SPECC1L (sperm antigen with calponin homology and coiled-coil domains 1 like; plus strand), SPECC1L-ADORA2A (SPECC1L-ADORA2A readthrough (NMD candidate); plus strand). Cytogenetic location: 22q11.23.
Variant type: single nucleotide variant.
Coding change: c.496A>G on transcript NM_015330.6 (MANE Select); coding-DNA position 496, A replaced by G.
Protein change: p.Met166Val; replaces methionine 166 with valine.
Molecular consequence: missense variant. On other transcripts: non-coding transcript variant (1).
Genome position (GRCh38, 1-based): chr22:24,321,476, A>G. VCF-style: chr22-24321476-A-G. GRCh37 (hg19) VCF-style: chr22-24717444-A-G.
Other names: c.496A>G (NM_015330.2); c.496A>G, p.Met166Val (NM_001145468.4, NM_001254732.3); short protein forms M166V.
Identifiers: ClinVar variation 711743 (VCV000711743.36), dbSNP rs199673620, ClinGen allele CA10151972.

ClinVar aggregate classification (germline): Likely benign. Review status: criteria provided, multiple submitters, no conflicts (2 of 4 stars). 6 submissions from 6 submitters: Likely benign (3). 3 of the submissions do not count toward it. Last evaluated 2025-09-04.

Conditions:
Inborn genetic diseases. Identifiers: MedGen C0950123, MeSH D030342.
SPECC1L-related disorder. Also called: SPECC1L-related condition.

Allele frequency attached by ClinVar (database versions not stated): 1000 Genomes Project 30x 0.00031; 1000 Genomes Project 0.00040; TOPMed 0.00041; gnomAD 0.00045 and 0.00047; gnomAD exomes 0.00049 and 0.00085; ESP Exome Variant Server 0.00054; ExAC 0.00063.

Submissions (6):

Labcorp Genetics (formerly Invitae), Labcorp
Classification: Likely benign. Last evaluated: 2025-09-04. Review status: criteria provided, single submitter. Criteria: Invitae Variant Classification Sherloc (09022015). Collection method: clinical testing. Allele origin: germline.

CeGaT Center for Human Genetics Tuebingen
Classification: Likely benign. Last evaluated: 2023-05-01. Review status: criteria provided, single submitter. Criteria: CeGaT Center For Human Genetics Tuebingen Variant Classification Criteria Version 2. Collection method: clinical testing. Allele origin: germline. Affected: yes. Observed: 1 variant allele.
Comment: SPECC1L: BS2

Ambry Genetics
Classification: Likely benign for Inborn genetic diseases. Last evaluated: 2022-01-07. Review status: criteria provided, single submitter. Criteria: Ambry Variant Classification Scheme 2023. Collection method: clinical testing. Allele origin: germline.

PreventionGenetics, part of Exact Sciences
Classification: Likely benign for SPECC1L-related condition. Last evaluated: 2021-02-01. Review status: no assertion criteria provided. Collection method: clinical testing. Allele origin: germline. Not counted in ClinVar's aggregate classification.
Comment: This variant is classified as likely benign based on ACMG/AMP sequence variant interpretation guidelines (Richards et al. 2015 PMID: 25741868, with internal and published modifications).

Diagnostic Laboratory, Department of Genetics, University Medical Center Groningen
Classification: Likely benign. Review status: no assertion criteria provided. Collection method: clinical testing. Allele origin: germline. Affected: yes. Study: VKGL Data-share Consensus. Not counted in ClinVar's aggregate classification.

Genome Diagnostics Laboratory, University Medical Center Utrecht
Classification: Likely benign. Review status: no assertion criteria provided. Collection method: clinical testing. Allele origin: germline. Affected: yes. Study: VKGL Data-share Consensus. Not counted in ClinVar's aggregate classification.